The following is an entry in ClinVar:

NM_015465.5(GEMIN5):c.414G>A (p.Trp138Ter)

Gene: GEMIN5 (gem nuclear organelle associated protein 5; minus strand). Cytogenetic location: 5q33.2.
Variant type: single nucleotide variant.
Coding change: c.414G>A on transcript NM_015465.5 (MANE Select); coding-DNA position 414, G replaced by A.
Protein change: p.Trp138Ter; replaces tryptophan 138 with a stop codon.
Molecular consequence: nonsense.
Genome position (GRCh38, 1-based): chr5:154,935,936, C>T on the plus strand (G>A on the coding strand, the complement: GEMIN5 is on the minus strand). VCF-style: chr5-154935936-C-T. GRCh37 (hg19) VCF-style: chr5-154315496-C-T.
Other names: c.414G>A, p.Trp138Ter (NM_001252156.2); short protein forms W138*.
Identifiers: ClinVar variation 4527635 (VCV004527635.1).

ClinVar aggregate classification (germline): Likely pathogenic (1 of 4 stars; one submission).

gnomAD v4.1: 3 of 1,608,460 alleles (0.00019%); highest among the groups gnomAD compares: Non-Finnish European, 0.00026%; no homozygotes.

Submission:

GeneDx
Classification: Likely pathogenic. Last evaluated: 2025-05-02. Review status: criteria provided, single submitter. Criteria: GeneDx Variant Classification Process June 2021. Collection method: clinical testing. Allele origin: germline. Affected: yes.
Comment: Nonsense variant predicted to result in protein truncation or nonsense mediated decay in a gene for which loss of function is a known mechanism of disease; Not observed at significant frequency in large population cohorts (gnomAD); Has not been previously published as pathogenic or benign to our knowledge